The following is an entry in ClinVar:

ClinVar aggregate classification (germline): Uncertain significance (1 of 4 stars; one submission).

Conditions:
Hereditary breast ovarian cancer syndrome. Also called: Hereditary breast and ovarian cancer syndrome; Breast and ovarian cancer; BRCA1- and BRCA2-Associated Hereditary Breast and Ovarian Cancer; Hereditary breast and ovarian cancer syndrome (HBOC); Hereditary breast and/or ovarian cancer syndrome; Hereditary breast and ovarian cancer. Identifiers: Orphanet 145, MedGen C0677776, MeSH D061325, MONDO:0003582. Disease mechanism: loss of function.

Submission:

Labcorp Genetics (formerly Invitae), Labcorp
Classification: Uncertain significance for Hereditary breast ovarian cancer syndrome. Last evaluated: 2022-12-05. Review status: criteria provided, single submitter. Criteria: Invitae Variant Classification Sherloc (09022015). Collection method: clinical testing. Allele origin: germline.
Comment: In summary, the available evidence is currently insufficient to determine the role of this variant in disease. Therefore, it has been classified as a Variant of Uncertain Significance. Advanced modeling of protein sequence and biophysical properties (such as structural, functional, and spatial information, amino acid conservation, physicochemical variation, residue mobility, and thermodynamic stability) performed at Invitae indicates that this missense variant is not expected to disrupt BRCA2 protein function. This variant has not been reported in the literature in individuals affected with BRCA2-related conditions. This variant is not present in population databases (gnomAD no frequency). This sequence change replaces valine, which is neutral and non-polar, with methionine, which is neutral and non-polar, at codon 1862 of the BRCA2 protein (p.Val1862Met).

NM_000059.4(BRCA2):c.5584G>A (p.Val1862Met)

Gene: BRCA2 (BRCA2 DNA repair associated; plus strand). Cytogenetic location: 13q13.1.
Variant type: single nucleotide variant.
Coding change: c.5584G>A on transcript NM_000059.4 (MANE Select); coding-DNA position 5584, G replaced by A.
Protein change: p.Val1862Met; replaces valine 1862 with methionine.
Molecular consequence: missense variant. On other transcripts: non-coding transcript variant (1), intron variant (2).
Genome position (GRCh38, 1-based): chr13:32,339,939, G>A. VCF-style: chr13-32339939-G-A. GRCh37 (hg19) VCF-style: chr13-32914076-G-A.
Other names: c.5584G>A, p.Val1862Met (NM_001406719.1, NM_001406720.1); c.1910-4619G>A (NM_001406721.1); c.425-4619G>A (NM_001406722.1); short protein forms V1862M.
Identifiers: ClinVar variation 2803417 (VCV002803417.3), dbSNP rs2137518841, ClinGen allele CA387786025.